The following is an entry in ClinVar:

ClinVar aggregate classification (germline): Likely pathogenic. Review status: criteria provided, multiple submitters, no conflicts (2 of 4 stars). 2 submissions from 2 submitters: Likely pathogenic (2). Last evaluated 2025-08-01.

Conditions:
Early-infantile DEE. Also called: Early infantile epileptic encephalopathy with suppression bursts; Early infantile epileptic encephalopathy; Ohtahara syndrome. Identifiers: Orphanet 1934, MedGen C0393706, MONDO:0800491.

Submissions (2):

CeGaT Center for Human Genetics Tuebingen
Classification: Likely pathogenic. Last evaluated: 2025-08-01. Review status: criteria provided, single submitter. Criteria: CeGaT Center For Human Genetics Tuebingen Variant Classification Criteria Version 2. Collection method: clinical testing. Allele origin: germline. Affected: yes. Observed: 2 variant alleles.
Comment: SCN8A: PM2, PM5, PS2:Moderate, PP2, PP3

Labcorp Genetics (formerly Invitae), Labcorp
Classification: Likely pathogenic for Early-infantile DEE. Last evaluated: 2024-12-03. Review status: criteria provided, single submitter. Criteria: Invitae Variant Classification Sherloc (09022015). Collection method: clinical testing. Allele origin: germline.
Comment: This sequence change replaces methionine, which is neutral and non-polar, with valine, which is neutral and non-polar, at codon 1645 of the SCN8A protein (p.Met1645Val). This variant is not present in population databases (gnomAD no frequency). This missense change has been observed in individual(s) with SCN8A-related seizure (internal data). It has also been observed to segregate with disease in related individuals. ClinVar contains an entry for this variant (Variation ID: 1007610). Invitae Evidence Modeling of protein sequence and biophysical properties (such as structural, functional, and spatial information, amino acid conservation, physicochemical variation, residue mobility, and thermodynamic stability) indicates that this missense variant is expected to disrupt SCN8A protein function with a positive predictive value of 80%. This variant disrupts the p.Met1645 amino acid residue in SCN8A. Other variant(s) that disrupt this residue have been observed in individuals with SCN8A-related conditions (PMID: 26544041, 33827760; internal data), which suggests that this may be a clinically significant amino acid residue. In summary, the currently available evidence indicates that the variant is pathogenic, but additional data are needed to prove that conclusively. Therefore, this variant has been classified as Likely Pathogenic.

Literature cited by the submitters: PubMed 26544041 (cited by Labcorp Genetics (formerly Invitae), Labcorp); PubMed 33827760 (cited by Labcorp Genetics (formerly Invitae), Labcorp).

NM_001330260.2(SCN8A):c.4933A>G (p.Met1645Val)

Gene: SCN8A (sodium voltage-gated channel alpha subunit 8; plus strand). Cytogenetic location: 12q13.13.
Variant type: single nucleotide variant.
Coding change: c.4933A>G on transcript NM_001330260.2 (MANE Select); coding-DNA position 4933, A replaced by G.
Protein change: p.Met1645Val; replaces methionine 1645 with valine.
Molecular consequence: missense variant.
Genome position (GRCh38, 1-based): chr12:51,806,419, A>G. VCF-style: chr12-51806419-A-G. GRCh37 (hg19) VCF-style: chr12-52200203-A-G.
Other names: c.4810A>G, p.Met1604Val (NM_001177984.3, NM_001369788.1); c.4933A>G, p.Met1645Val (NM_014191.4); short protein forms M1604V, M1645V.
Identifiers: ClinVar variation 1007610 (VCV001007610.39), dbSNP rs1938703803, ClinGen allele CA384880566.